The following is an entry in ClinVar:

NM_000171.4(GLRA1):c.278G>A (p.Arg93Gln)

Gene: GLRA1 (glycine receptor alpha 1; minus strand). Cytogenetic location: 5q33.1.
Variant type: single nucleotide variant.
Coding change: c.278G>A on transcript NM_000171.4 (MANE Select); coding-DNA position 278, G replaced by A.
Protein change: p.Arg93Gln; replaces arginine 93 with glutamine.
Molecular consequence: missense variant.
Genome position (GRCh38, 1-based): chr5:151,859,983, C>T on the plus strand (G>A on the coding strand, the complement: GLRA1 is on the minus strand). VCF-style: chr5-151859983-C-T. GRCh37 (hg19) VCF-style: chr5-151239544-C-T.
Other names: c.278G>A, p.Arg93Gln (NM_001146040.2); c.29G>A, p.Arg10Gln (NM_001292000.2); short protein forms R93Q, R10Q.
Identifiers: ClinVar variation 2912018 (VCV002912018.3), dbSNP rs1165958512, ClinGen allele CA361842223.
Genomic context (GRCh38, chr5:151,859,983, plus strand): 5'-AGGTCCAGAGAGTCGTCAGGGTATTCATTATAGGCCAGGCGGGGGTCGTTCCATTGCTGC[C>T]GCAGGAAGATGTTGACCCTATAGTCCTACAGCCAGGAAATAACAAGGTGAAGGCAATGTT-3'
Protein context (NP_000162.2, residues 83-103): TMDYRVNIFL[Arg93Gln]QQWNDPRLAY

ClinVar aggregate classification (germline): Uncertain significance (1 of 4 stars; one submission).

Conditions:
Hereditary hyperekplexia. Identifiers: Orphanet 3197, MedGen C4084968, MONDO:0021022.

gnomAD v4.1: 11 of 1,613,784 alleles (0.00068%); highest among the groups gnomAD compares: Non-Finnish European, 0.00076%; no homozygotes.

Submission:

Labcorp Genetics (formerly Invitae), Labcorp
Classification: Uncertain significance for Hereditary hyperekplexia. Last evaluated: 2022-12-20. Review status: criteria provided, single submitter. Criteria: Invitae Variant Classification Sherloc (09022015). Collection method: clinical testing. Allele origin: germline.
Comment: This sequence change replaces arginine, which is basic and polar, with glutamine, which is neutral and polar, at codon 93 of the GLRA1 protein (p.Arg93Gln). This variant is present in population databases (no rsID available, gnomAD 0.009%). This variant has not been reported in the literature in individuals affected with GLRA1-related conditions. Advanced modeling of protein sequence and biophysical properties (such as structural, functional, and spatial information, amino acid conservation, physicochemical variation, residue mobility, and thermodynamic stability) performed at Invitae indicates that this missense variant is expected to disrupt GLRA1 protein function. This variant disrupts the p.Arg93 amino acid residue in GLRA1. Other variant(s) that disrupt this residue have been determined to be pathogenic (PMID: 20631190, 24108130). This suggests that this residue is clinically significant, and that variants that disrupt this residue are likely to be disease-causing. In summary, the available evidence is currently insufficient to determine the role of this variant in disease. Therefore, it has been classified as a Variant of Uncertain Significance.

Literature cited by the submitters: PubMed 20631190; PubMed 24108130.